The following is an entry in ClinVar:

NM_000088.4(COL1A1):c.2973T>C (p.Ser991=)

Gene: COL1A1 (collagen type I alpha 1 chain; minus strand). Cytogenetic location: 17q21.33.
Variant type: single nucleotide variant.
Coding change: c.2973T>C on transcript NM_000088.4 (MANE Select); coding-DNA position 2973, T replaced by C.
Protein change: p.Ser991=; no amino-acid change (serine 991 retained).
Molecular consequence: synonymous variant.
Genome position (GRCh38, 1-based): chr17:50,188,975, A>G on the plus strand (T>C on the coding strand, the complement: COL1A1 is on the minus strand). VCF-style: chr17-50188975-A-G. GRCh37 (hg19) VCF-style: chr17-48266336-A-G.
Other names: p.Ser991=.
Identifiers: ClinVar variation 702383 (VCV000702383.55), dbSNP rs568904847, ClinGen allele CA8644625.

ClinVar aggregate classification (germline): Benign/Likely benign. Review status: criteria provided, multiple submitters, no conflicts (2 of 4 stars). 8 submissions from 8 submitters: Benign (1); Likely benign (7). Last evaluated 2026-01-16.

Conditions:
Cardiovascular phenotype. Identifiers: MedGen CN230736.
Ehlers-Danlos syndrome (EDS). Identifiers: Orphanet 98249, MedGen C0013720, MONDO:0020066.
Osteogenesis imperfecta type I (OI1). Also called: Osteogenesis imperfecta type 1; Classic Non-deforming Osteogenesis Imperfecta with Blue Sclerae; Lobstein's Disease; Lobstein disease; OI, TYPE I; OSTEOGENESIS IMPERFECTA TARDA. Identifiers: Orphanet 216796, Orphanet 666, MedGen C0023931, MONDO:0008146, OMIM 166200. Disease mechanism: loss of function.

Allele frequency attached by ClinVar (database versions not stated): ExAC 0.00005; gnomAD exomes 0.00009 and 0.00014; gnomAD 0.00012; 1000 Genomes Project 30x 0.00016; TOPMed 0.00017; 1000 Genomes Project 0.00020.

Submissions (8):

Labcorp Genetics (formerly Invitae), Labcorp
Classification: Likely benign for Osteogenesis imperfecta type I. Last evaluated: 2026-01-16. Review status: criteria provided, single submitter. Criteria: Invitae Variant Classification Sherloc (09022015). Collection method: clinical testing. Allele origin: germline.

Mayo Clinic Laboratories, Mayo Clinic
Classification: Likely benign. Last evaluated: 2025-08-17. Review status: criteria provided, single submitter. Criteria: ACMG Guidelines, 2015. Collection method: clinical testing. Allele origin: germline. Observed: 2 variant alleles.
Comment: BS1, BP4, BP7

Blueprint Genetics
Classification: Likely benign. Last evaluated: 2024-08-22. Review status: criteria provided, single submitter. Criteria: ACMG Guidelines, 2015. Collection method: clinical testing. Allele origin: germline.

CeGaT Center for Human Genetics Tuebingen
Classification: Likely benign. Last evaluated: 2021-09-01. Review status: criteria provided, single submitter. Criteria: CeGaT Center For Human Genetics Tuebingen Variant Classification Criteria Version 2. Collection method: clinical testing. Allele origin: germline. Affected: yes. Observed: 1 variant allele.

GeneDx
Classification: Likely benign. Last evaluated: 2021-06-25. Review status: criteria provided, single submitter. Criteria: GeneDx Variant Classification Process June 2021. Collection method: clinical testing. Allele origin: germline. Affected: yes.

Ambry Genetics
Classification: Benign for Cardiovascular phenotype. Last evaluated: 2021-04-30. Review status: criteria provided, single submitter. Criteria: Ambry Variant Classification Scheme 2023. Collection method: clinical testing. Allele origin: germline.

Genome Diagnostics Laboratory, The Hospital for Sick Children
Classification: Likely benign for Ehlers-Danlos syndrome. Last evaluated: 2020-11-03. Review status: criteria provided, single submitter. Criteria: ACMG Guidelines, 2015. Collection method: clinical testing. Allele origin: germline.

Breakthrough Genomics
Classification: Likely benign. Review status: criteria provided, single submitter. Criteria: ACMG Guidelines, 2015. Collection method: not provided. Allele origin: germline. Inheritance: Autosomal dominant inheritance. Affected: yes.